The following is an entry in ClinVar:

ClinVar aggregate classification (germline): Uncertain significance (1 of 4 stars; one submission).

Conditions:
Cerebral folate transport deficiency. Also called: Neurodegenerative syndrome due to cerebral folate transport deficiency; Cerebral folate deficiency syndrome; FOLATE RECEPTOR DEFICIENCY; NEURODEGENERATION DUE TO CEREBRAL FOLATE TRANSPORT DEFICIENCY; FOLR1-Related Cerebral Folate Transport Deficiency. Identifiers: Orphanet 217382, MedGen C2751584, MONDO:0013110, OMIM 613068. Disease mechanism: loss of function.

Submission:

Labcorp Genetics (formerly Invitae), Labcorp
Classification: Uncertain significance for Cerebral folate transport deficiency. Last evaluated: 2020-12-10. Review status: criteria provided, single submitter. Criteria: Invitae Variant Classification Sherloc (09022015). Collection method: clinical testing. Allele origin: germline.
Comment: In summary, the available evidence is currently insufficient to determine the role of this variant in disease. Therefore, it has been classified as a Variant of Uncertain Significance. Algorithms developed to predict the effect of missense changes on protein structure and function (SIFT, PolyPhen-2, Align-GVGD) all suggest that this variant is likely to be tolerated, but these predictions have not been confirmed by published functional studies and their clinical significance is uncertain. This variant has not been reported in the literature in individuals with FOLR1-related disease. This variant is not present in population databases (ExAC no frequency). This sequence change replaces alanine with valine at codon 231 of the FOLR1 protein (p.Ala231Val). The alanine residue is weakly conserved and there is a small physicochemical difference between alanine and valine.

NM_016729.3(FOLR1):c.692C>T (p.Ala231Val)

Genes: FOLR1 (folate receptor alpha; plus strand), FOLR1-AS1 (FOLR1 antisense RNA 1; minus strand). Cytogenetic location: 11q13.4.
Variant type: single nucleotide variant.
Coding change: c.692C>T on transcript NM_016729.3 (MANE Select); coding-DNA position 692, C replaced by T.
Protein change: p.Ala231Val; replaces alanine 231 with valine.
Molecular consequence: missense variant.
Genome position (GRCh38, 1-based): chr11:72,196,095, C>T. VCF-style: chr11-72196095-C-T. GRCh37 (hg19) VCF-style: chr11-71907139-C-T.
Other names: c.692C>T, p.Ala231Val (NM_000802.3, NM_016724.3, NM_016725.3); short protein forms A231V.
Identifiers: ClinVar variation 470726 (VCV000470726.9), dbSNP rs1555069289, ClinGen allele CA381735074.
Genomic context (GRCh38, chr11:72,196,095, plus strand): 5'-AGATGTGGTTCGACCCAGCCCAGGGCAACCCCAATGAGGAGGTGGCGAGGTTCTATGCTG[C>T]AGCCATGAGTGGGGCTGGGCCCTGGGCAGCCTGGCCTTTCCTGCTTAGCCTGGCCCTAAT-3'
Protein context (NP_057941.1, residues 221-241): PNEEVARFYA[Ala231Val]AMSGAGPWAA